The following is an entry in ClinVar:

ClinVar aggregate classification (germline): Uncertain significance (1 of 4 stars; one submission).

Conditions:
Mucolipidosis type II. Also called: ML II ALPHA/BETA; Mucolipidosis 2; ML 2; Inclusion cell disease; Leroy Disease; N-acetylglucosamine 1phosphotransferase deficiency. Identifiers: Orphanet 576, MedGen C2673377, MONDO:0009650, OMIM 252500.
Pseudo-Hurler polydystrophy. Also called: ML III; ML III ALPHA/BETA; MUCOLIPIDOSIS IIIA; Type III Mucolipidosis; ML IIIA; Mucolipidosis III Alpha/Beta. Identifiers: Orphanet 423461, Orphanet 577, MedGen C0033788, MONDO:0018931, OMIM 252600.

Submission:

Labcorp Genetics (formerly Invitae), Labcorp
Classification: Uncertain significance for Pseudo-Hurler polydystrophy; Mucolipidosis type II. Last evaluated: 2025-12-04. Review status: criteria provided, single submitter. Criteria: Invitae Variant Classification Sherloc (09022015). Collection method: clinical testing. Allele origin: germline.
Comment: This sequence change replaces valine, which is neutral and non-polar, with isoleucine, which is neutral and non-polar, at codon 1097 of the GNPTAB protein (p.Val1097Ile). This variant is not present in population databases (gnomAD no frequency). This variant has not been reported in the literature in individuals affected with GNPTAB-related conditions. Invitae Evidence Modeling of protein sequence and biophysical properties (such as structural, functional, and spatial information, amino acid conservation, physicochemical variation, residue mobility, and thermodynamic stability) indicates that this missense variant is not expected to disrupt GNPTAB protein function with a negative predictive value of 80%. In summary, the available evidence is currently insufficient to determine the role of this variant in disease. Therefore, it has been classified as a Variant of Uncertain Significance.

NM_024312.5(GNPTAB):c.3289G>A (p.Val1097Ile)

Gene: GNPTAB (N-acetylglucosamine-1-phosphate transferase subunits alpha and beta; minus strand). Cytogenetic location: 12q23.2.
Variant type: single nucleotide variant.
Coding change: c.3289G>A on transcript NM_024312.5 (MANE Select); coding-DNA position 3289, G replaced by A.
Protein change: p.Val1097Ile; replaces valine 1097 with isoleucine.
Molecular consequence: missense variant.
Genome position (GRCh38, 1-based): chr12:101,757,618, C>T on the plus strand (G>A on the coding strand, the complement: GNPTAB is on the minus strand). VCF-style: chr12-101757618-C-T. GRCh37 (hg19) VCF-style: chr12-102151396-C-T.
Other names: short protein forms V1097I.
Identifiers: ClinVar variation 4788001 (VCV004788001.1).